The following is an entry in ClinVar:

ClinVar aggregate classification (germline): Uncertain significance. Review status: criteria provided, multiple submitters, no conflicts (2 of 4 stars). 4 submissions from 4 submitters: Uncertain significance (4). Last evaluated 2026-07-26.

Conditions:
TBX1-related disorder. Also called: TBX1-Related Disorders; TBX1-related condition.
Cardiovascular phenotype. Identifiers: MedGen CN230736.
DiGeorge syndrome. Also called: Catch22; THIRD AND FOURTH PHARYNGEAL POUCH SYNDROME. Identifiers: Orphanet 567, MedGen C0012236, MONDO:0008564, OMIM 188400.

Allele frequency attached by ClinVar (database versions not stated): TOPMed below 0.00001.

Submissions (4):

PreventionGenetics, part of Exact Sciences
Classification: Uncertain significance for TBX1-related condition. Last evaluated: 2026-07-26. Review status: criteria provided, single submitter. Criteria: ACMG Guidelines, 2015. Collection method: clinical testing. Allele origin: germline.
Comment: The TBX1 c.1012G>A variant is predicted to result in the amino acid substitution p.Ala338Thr. To our knowledge, this variant has not been reported in the literature or in a large population database (gnomAD), indicating this variant is rare. At this time, the clinical significance of this variant is uncertain due to the absence of conclusive functional and genetic evidence.

Ambry Genetics
Classification: Uncertain significance for Cardiovascular phenotype. Last evaluated: 2025-01-04. Review status: criteria provided, single submitter. Criteria: Ambry Variant Classification Scheme 2023. Collection method: clinical testing. Allele origin: germline.
Comment: The p.A338T variant (also known as c.1012G>A), located in coding exon 8 of the TBX1 gene, results from a G to A substitution at nucleotide position 1012. The alanine at codon 338 is replaced by threonine, an amino acid with similar properties. This amino acid position is conserved. In addition, this alteration is predicted to be tolerated by in silico analysis. Based on the available evidence, the clinical significance of this variant remains unclear.

Labcorp Genetics (formerly Invitae), Labcorp
Classification: Uncertain significance for DiGeorge syndrome. Last evaluated: 2024-10-12. Review status: criteria provided, single submitter. Criteria: Invitae Variant Classification Sherloc (09022015). Collection method: clinical testing. Allele origin: germline.
Comment: This sequence change replaces alanine, which is neutral and non-polar, with threonine, which is neutral and polar, at codon 338 of the TBX1 protein (p.Ala338Thr). This variant is not present in population databases (gnomAD no frequency). This variant has not been reported in the literature in individuals affected with TBX1-related conditions. ClinVar contains an entry for this variant (Variation ID: 1254249). An algorithm developed to predict the effect of missense changes on protein structure and function (PolyPhen-2) suggests that this variant is likely to be tolerated. In summary, the available evidence is currently insufficient to determine the role of this variant in disease. Therefore, it has been classified as a Variant of Uncertain Significance.

GeneDx
Classification: Uncertain significance. Last evaluated: 2021-08-19. Review status: criteria provided, single submitter. Criteria: GeneDx Variant Classification Process June 2021. Collection method: clinical testing. Allele origin: germline. Affected: yes.
Comment: Not observed at significant frequency in large population cohorts (Lek et al., 2016); In silico analysis supports that this missense variant does not alter protein structure/function; Has not been previously published as pathogenic or benign to our knowledge

NM_001379200.1(TBX1):c.1039G>A (p.Ala347Thr)

Gene: TBX1 (T-box transcription factor 1; plus strand). Cytogenetic location: 22q11.21.
Variant type: single nucleotide variant.
Coding change: c.1039G>A on transcript NM_001379200.1 (MANE Select); coding-DNA position 1039, G replaced by A.
Protein change: p.Ala347Thr; replaces alanine 347 with threonine.
Molecular consequence: missense variant. On other transcripts: intron variant (2).
Genome position (GRCh38, 1-based): chr22:19,766,391, G>A. VCF-style: chr22-19766391-G-A. GRCh37 (hg19) VCF-style: chr22-19753914-G-A.
Other names: c.1012G>A, p.Ala338Thr (NM_080647.1); c.1009+389G>A (NM_005992.1, NM_080646.2); short protein forms A338T, A347T.
Identifiers: ClinVar variation 1254249 (VCV001254249.6), dbSNP rs1936844604, ClinGen allele CA410683963.